The following is an entry in ClinVar:

NM_002691.4(POLD1):c.694C>T (p.Arg232Cys)

Gene: POLD1 (DNA polymerase delta 1, catalytic subunit; plus strand). Cytogenetic location: 19q13.33.
Variant type: single nucleotide variant.
Coding change: c.694C>T on transcript NM_002691.4 (MANE Select); coding-DNA position 694, C replaced by T.
Protein change: p.Arg232Cys; replaces arginine 232 with cysteine.
Molecular consequence: missense variant. On other transcripts: non-coding transcript variant (1).
Genome position (GRCh38, 1-based): chr19:50,402,309, C>T. VCF-style: chr19-50402309-C-T. GRCh37 (hg19) VCF-style: chr19-50905566-C-T.
Other names: c.694C>T, p.Arg232Cys (NM_001256849.1, NM_001308632.1); c.694C>T (NM_002691.2); short protein forms R232C.
Identifiers: ClinVar variation 469381 (VCV000469381.10), dbSNP rs774789534, ClinGen allele CA9595863.

ClinVar aggregate classification (germline): Conflicting classifications of pathogenicity. Review status: criteria provided, conflicting classifications (1 of 4 stars). 3 submissions from 3 submitters: Uncertain significance (2); Likely benign (1). Last evaluated 2025-03-20.

Conditions:
Hereditary cancer-predisposing syndrome. Also called: Neoplastic Syndromes, Hereditary; Hereditary neoplastic syndrome; Tumor predisposition; Hereditary Cancer Syndrome. Identifiers: Orphanet 140162, MedGen C0027672, MeSH D009386, MONDO:0015356.
POLD1-related polyposis and colorectal cancer syndrome (CRCS10). Also called: Colorectal cancer 10; COLORECTAL CANCER, SUSCEPTIBILITY TO, ON CHROMOSOME 19q; Colorectal cancer, susceptibility to, 10. Identifiers: Orphanet 220460, MedGen C2675481, MONDO:0012953, OMIM 612591.

Allele frequency attached by ClinVar (database versions not stated): ExAC 0.00002; gnomAD 0.00002 and 0.00003; gnomAD exomes 0.00002; TOPMed 0.00002.

Submissions (3):

Ambry Genetics
Classification: Likely benign for Hereditary cancer-predisposing syndrome. Last evaluated: 2025-03-20. Review status: criteria provided, single submitter. Criteria: Ambry Variant Classification Scheme 2023. Collection method: clinical testing. Allele origin: germline.

Labcorp Genetics (formerly Invitae), Labcorp
Classification: Uncertain significance for POLD1-related polyposis and colorectal cancer syndrome. Last evaluated: 2024-10-01. Review status: criteria provided, single submitter. Criteria: Invitae Variant Classification Sherloc (09022015). Collection method: clinical testing. Allele origin: germline.
Comment: This sequence change replaces arginine, which is basic and polar, with cysteine, which is neutral and slightly polar, at codon 232 of the POLD1 protein (p.Arg232Cys). This variant is present in population databases (rs774789534, gnomAD 0.007%). This variant has not been reported in the literature in individuals affected with POLD1-related conditions. ClinVar contains an entry for this variant (Variation ID: 469381). Invitae Evidence Modeling of protein sequence and biophysical properties (such as structural, functional, and spatial information, amino acid conservation, physicochemical variation, residue mobility, and thermodynamic stability) indicates that this missense variant is not expected to disrupt POLD1 protein function with a negative predictive value of 80%. In summary, the available evidence is currently insufficient to determine the role of this variant in disease. Therefore, it has been classified as a Variant of Uncertain Significance.

GeneDx
Classification: Uncertain significance. Last evaluated: 2024-03-12. Review status: criteria provided, single submitter. Criteria: GeneDx Variant Classification Process June 2021. Collection method: clinical testing. Allele origin: germline. Affected: yes.
Comment: In silico analysis supports that this missense variant does not alter protein structure/function; Has not been previously published as pathogenic or benign to our knowledge